The following is an entry in ClinVar:

ClinVar aggregate classification (germline): Uncertain significance (1 of 4 stars; one submission).

Conditions:
Hypokalemic periodic paralysis, type 2 (HOKPP2). Identifiers: Orphanet 681, MedGen C2750061, MONDO:0013234, OMIM 613345.

gnomAD v4.1: 1 of 1,613,418 alleles (0.000062%); highest among the groups gnomAD compares: Non-Finnish European, 0.000085%; no homozygotes.

Submission:

Victorian Clinical Genetics Services, Murdoch Childrens Research Institute
Classification: Uncertain significance for Hypokalemic periodic paralysis, type 2. Last evaluated: 2022-02-02. Review status: criteria provided, single submitter. Criteria: ACMG Guidelines, 2015. Collection method: clinical testing. Allele origin: germline.
Comment: Based on the classification scheme VCGS_Germline_v1.3.4, this variant is classified as VUS-3B. Following criteria are met: 0103 - Loss of function (LoF) and gain of function (GoF) are known mechanisms of disease in this gene and are associated with SCN4A-related disease. GoF is a well characterised disease mechanism for autosomal dominant SCN4A-related diseases, while LoF is a mechanism associated with autosomal recessive SCN4A-related diseases (PMID: 26700687, OMIM). (I) 0108 - This gene is associated with both recessive and dominant disease. Variants in this gene are usually inherited in a dominant manner, however rare reports of recessive inheritance have been reported (PMID: 24549961, OMIM). (I) 0115 - Variants in this gene are known to have variable expressivity. Some individuals carrying pathogenic variants do not present with a typical clinical phenotype, however they do have detectable signs of myotonia on EMG (GeneReviews). (I) 0200 - Variant is predicted to result in a missense amino acid change from tyrosine to histidine. (I) 0251 - This variant is heterozygous. (I) 0301 - Variant is absent from gnomAD (both v2 and v3). (SP) 0501 - Missense variant consistently predicted to be damaging by multiple in silico tools or highly conserved with a major amino acid change. (SP) 0600 - Variant is located in the annotated cytoplasmic region of the NA channel gate (Uniprot, NCBI). (I) 0710 - Another missense variant comparable to the one identified in this case has inconclusive previous evidence for pathogenicity. p.(Tyr1319Ile) has been classified as a variant of uncertain significance by a diagnostic laboratory in ClinVar. (I) 0807 - This variant has no previous evidence of pathogenicity. (I) 0905 - No published segregation evidence has been identified for this variant. (I) 1007 - No published functional evidence has been identified for this variant. (I) 1208 - Inheritance information for this variant is not currently available in this individual. (I) Legend: (SP) - Supporting pathogenic, (I) - Information, (SB) - Supporting benign

Literature cited by the submitters: PubMed 24549961; PubMed 26700687.

NM_000334.4(SCN4A):c.3955T>C (p.Tyr1319His)

Genes: GH-LCR (growth hormone locus control region; plus strand), SCN4A (sodium voltage-gated channel alpha subunit 4; minus strand). Cytogenetic location: 17q23.3.
Variant type: single nucleotide variant.
Coding change: c.3955T>C on transcript NM_000334.4 (MANE Select); coding-DNA position 3955, T replaced by C.
Protein change: p.Tyr1319His; replaces tyrosine 1319 with histidine.
Molecular consequence: missense variant.
Genome position (GRCh38, 1-based): chr17:63,943,808, A>G on the plus strand (T>C on the coding strand, the complement: SCN4A is on the minus strand). VCF-style: chr17-63943808-A-G. GRCh37 (hg19) VCF-style: chr17-62021168-A-G.
Other names: short protein forms Y1319H.
Identifiers: ClinVar variation 3377360 (VCV003377360.1).
Genomic context (GRCh38, chr17:63,943,808, plus strand): 5'-GGGGCCGGGGAATTGGCTTCTGAGGCTTCTTGGAGCCAAGCTTCTTCATGGCGTTATAGT[A>G]TTTCTTCTGTTCCTCCGTCATAAAGATGTCTTTCCCCCCTAAGTATAGTGGGATAGGGCT-3'
Protein context (NP_000325.4, residues 1309-1329): DIFMTEEQKK[Tyr1319His]YNAMKKLGSK